The following is an entry in ClinVar:

NM_152383.5(DIS3L2):c.1577A>G (p.His526Arg)

Gene: DIS3L2 (DIS3 like 3'-5' exoribonuclease 2; plus strand). Cytogenetic location: 2q37.1.
Variant type: single nucleotide variant.
Coding change: c.1577A>G on transcript NM_152383.5 (MANE Select); coding-DNA position 1577, A replaced by G.
Protein change: p.His526Arg; replaces histidine 526 with arginine.
Molecular consequence: missense variant. On other transcripts: non-coding transcript variant (2).
Genome position (GRCh38, 1-based): chr2:232,263,358, A>G. VCF-style: chr2-232263358-A-G. GRCh37 (hg19) VCF-style: chr2-233128068-A-G.
Other names: c.1577A>G, p.His526Arg (NM_001257281.2); short protein forms H526R.
Identifiers: ClinVar variation 664981 (VCV000664981.11), dbSNP rs749646487, ClinGen allele CA2164196.

ClinVar aggregate classification (germline): Uncertain significance. Review status: criteria provided, multiple submitters, no conflicts (2 of 4 stars). 2 submissions from 2 submitters: Uncertain significance (2). Last evaluated 2025-11-03.

Conditions:
Perlman syndrome (PRLMNS). Identifiers: Orphanet 2849, MedGen C0796113, MONDO:0009965, OMIM 267000.
Inborn genetic diseases. Identifiers: MedGen C0950123, MeSH D030342.

Allele frequency attached by ClinVar (database versions not stated): ExAC 0.00002.
gnomAD v4.1: 31 of 1,614,164 alleles (0.0019%); highest among the groups gnomAD compares: South Asian, 0.033%; 1 homozygote.

Submissions (2):

Labcorp Genetics (formerly Invitae), Labcorp
Classification: Uncertain significance for Perlman syndrome. Last evaluated: 2025-11-03. Review status: criteria provided, single submitter. Criteria: Invitae Variant Classification Sherloc (09022015). Collection method: clinical testing. Allele origin: germline.
Comment: This sequence change replaces histidine, which is basic and polar, with arginine, which is basic and polar, at codon 526 of the DIS3L2 protein (p.His526Arg). This variant is present in population databases (rs749646487, gnomAD 0.01%). This variant has not been reported in the literature in individuals affected with DIS3L2-related conditions. ClinVar contains an entry for this variant (Variation ID: 664981). Invitae Evidence Modeling of protein sequence and biophysical properties (such as structural, functional, and spatial information, amino acid conservation, physicochemical variation, residue mobility, and thermodynamic stability) indicates that this missense variant is not expected to disrupt DIS3L2 protein function with a negative predictive value of 80%. In summary, the available evidence is currently insufficient to determine the role of this variant in disease. Therefore, it has been classified as a Variant of Uncertain Significance.

Ambry Genetics
Classification: Uncertain significance for Inborn genetic diseases. Last evaluated: 2024-02-05. Review status: criteria provided, single submitter. Criteria: Ambry Variant Classification Scheme 2023. Collection method: clinical testing. Allele origin: germline.